The following is an entry in ClinVar:

ClinVar aggregate classification (germline): Uncertain significance. Review status: criteria provided, multiple submitters, no conflicts (2 of 4 stars). 2 submissions from 2 submitters: Uncertain significance (2). Last evaluated 2024-12-25.

Conditions:
Juvenile polyposis syndrome (JPS). Identifiers: Orphanet 2929, MedGen C0345893, MONDO:0017380, OMIM 174900.
Hereditary cancer-predisposing syndrome. Also called: Hereditary Cancer Syndrome; Neoplastic Syndromes, Hereditary; Tumor predisposition; Hereditary neoplastic syndrome. Identifiers: Orphanet 140162, MedGen C0027672, MeSH D009386, MONDO:0015356.

gnomAD v4.1: 9 of 1,613,336 alleles (0.00056%); highest among the groups gnomAD compares: Non-Finnish European, 0.00076%; no homozygotes.

Submissions (2):

Labcorp Genetics (formerly Invitae), Labcorp
Classification: Uncertain significance for Juvenile polyposis syndrome. Last evaluated: 2024-12-25. Review status: criteria provided, single submitter. Criteria: Invitae Variant Classification Sherloc (09022015). Collection method: clinical testing. Allele origin: germline.
Comment: This sequence change replaces cysteine, which is neutral and slightly polar, with serine, which is neutral and polar, at codon 175 of the BMPR1A protein (p.Cys175Ser). This variant is not present in population databases (gnomAD no frequency). This variant has not been reported in the literature in individuals affected with BMPR1A-related conditions. ClinVar contains an entry for this variant (Variation ID: 230207). Invitae Evidence Modeling of protein sequence and biophysical properties (such as structural, functional, and spatial information, amino acid conservation, physicochemical variation, residue mobility, and thermodynamic stability) indicates that this missense variant is not expected to disrupt BMPR1A protein function with a negative predictive value of 80%. In summary, the available evidence is currently insufficient to determine the role of this variant in disease. Therefore, it has been classified as a Variant of Uncertain Significance.

Ambry Genetics
Classification: Uncertain significance for Hereditary cancer-predisposing syndrome. Last evaluated: 2024-05-06. Review status: criteria provided, single submitter. Criteria: Ambry Variant Classification Scheme 2023. Collection method: clinical testing. Allele origin: germline.
Comment: The p.C175S variant (also known as c.524G>C), located in coding exon 5 of the BMPR1A gene, results from a G to C substitution at nucleotide position 524. The cysteine at codon 175 is replaced by serine, an amino acid with dissimilar properties. This amino acid position is well conserved in available vertebrate species. In addition, the in silico prediction for this alteration is inconclusive. Based on the available evidence, the clinical significance of this variant remains unclear.

NM_004329.3(BMPR1A):c.524G>C (p.Cys175Ser)

Gene: BMPR1A (bone morphogenetic protein receptor type 1A; plus strand). Cytogenetic location: 10q23.2.
Variant type: single nucleotide variant.
Coding change: c.524G>C on transcript NM_004329.3 (MANE Select); coding-DNA position 524, G replaced by C.
Protein change: p.Cys175Ser; replaces cysteine 175 with serine.
Molecular consequence: missense variant.
Genome position (GRCh38, 1-based): chr10:86,900,120, G>C. VCF-style: chr10-86900120-G-C. GRCh37 (hg19) VCF-style: chr10-88659877-G-C.
Other names: short protein forms C175S.
Identifiers: ClinVar variation 230207 (VCV000230207.16), dbSNP rs370091063, ClinGen allele CA10578881.